The following is an entry in ClinVar:

NM_001035.3(RYR2):c.7714T>G (p.Cys2572Gly)

Gene: RYR2 (ryanodine receptor 2; plus strand). Cytogenetic location: 1q43.
Variant type: single nucleotide variant.
Coding change: c.7714T>G on transcript NM_001035.3 (MANE Select); coding-DNA position 7714, T replaced by G.
Protein change: p.Cys2572Gly; replaces cysteine 2572 with glycine.
Molecular consequence: missense variant.
Genome position (GRCh38, 1-based): chr1:237,650,078, T>G. VCF-style: chr1-237650078-T-G. GRCh37 (hg19) VCF-style: chr1-237813378-T-G.
Other names: c.7714T>G (NM_001035.2); short protein forms C2572G.
Identifiers: ClinVar variation 1064065 (VCV001064065.9), dbSNP rs750011838, ClinGen allele CA087457.

ClinVar aggregate classification (germline): Uncertain significance. Review status: criteria provided, multiple submitters, no conflicts (2 of 4 stars). 4 submissions from 4 submitters: Uncertain significance (4). Last evaluated 2026-02-19.

Conditions:
Cardiovascular phenotype. Identifiers: MedGen CN230736.
Cardiomyopathy (CMYO). Also called: Cardiomyopathies. Identifiers: Orphanet 167848, MedGen C0878544, MONDO:0004994, HP:0001638. Inheritance: Various modes of inheritance.
Catecholaminergic polymorphic ventricular tachycardia (CVPT). Also called: Catecholamine-induced polymorphic ventricular tachycardia. Identifiers: Orphanet 3286, MedGen C5574922, MONDO:0017990.
Catecholaminergic polymorphic ventricular tachycardia 1. Also called: VENTRICULAR TACHYCARDIA, CATECHOLAMINERGIC POLYMORPHIC, 1, WITH OR WITHOUT ATRIAL DYSFUNCTION AND/OR DILATED CARDIOMYOPATHY; RYR2-Related Catecholaminergic Polymorphic Ventricular Tachycardia; VENTRICULAR TACHYCARDIA, STRESS-INDUCED POLYMORPHIC 1. Identifiers: Orphanet 3286, MedGen C1631597, MONDO:0011484, OMIM 604772.

Allele frequency attached by ClinVar (database versions not stated): gnomAD exomes below 0.00001 and 0.00002; ExAC 0.00001.
gnomAD v4.1: 24 of 1,613,972 alleles (0.0015%); highest among the groups gnomAD compares: Non-Finnish European, 0.0019%; no homozygotes.

Submissions (4):

Ambry Genetics
Classification: Uncertain significance for Cardiovascular phenotype. Last evaluated: 2026-02-19. Review status: criteria provided, single submitter. Criteria: Ambry Variant Classification Scheme 2023. Collection method: clinical testing. Allele origin: germline.
Comment: The p.C2572G variant (also known as c.7714T>G), located in coding exon 50 of the RYR2 gene, results from a T to G substitution at nucleotide position 7714. The cysteine at codon 2572 is replaced by glycine, an amino acid with highly dissimilar properties. This amino acid position is conserved. In addition, this alteration is predicted to be deleterious by in silico analysis. Based on the available evidence, the clinical significance of this variant remains unclear.

All of Us Research Program, National Institutes of Health
Classification: Uncertain significance for Catecholaminergic polymorphic ventricular tachycardia. Last evaluated: 2024-03-24. Review status: criteria provided, single submitter. Criteria: ACMG Guidelines, 2015. Collection method: clinical testing. Allele origin: germline. Inheritance: Autosomal dominant inheritance. Observed: 1 variant allele, 1 heterozygote.
Comment: This missense variant replaces cysteine with glycine at codon 2572 of the RYR2 protein. Computational prediction suggests that this variant may have deleterious impact on protein structure and function (internally defined REVEL score threshold >= 0.7, PMID: 27666373). To our knowledge, functional studies have not been reported for this variant. This variant has not been reported in individuals affected with RYR2-related disorders in the literature. This variant has been identified in 1/249218 chromosomes in the general population by the Genome Aggregation Database (gnomAD). The available evidence is insufficient to determine the role of this variant in disease conclusively. Therefore, this variant is classified as a Variant of Uncertain Significance.

This study involves interpretation of variants in research participants for the purpose of population health screening. Participant phenotype was not available at the time of variant classification. Additional details can be found in publication PMID: 35346344, PMCID: PMC8962531

Color Diagnostics, LLC DBA Color Health
Classification: Uncertain significance for Cardiomyopathy. Last evaluated: 2024-03-13. Review status: criteria provided, single submitter. Criteria: ACMG Guidelines, 2015. Collection method: clinical testing. Allele origin: germline.
Comment: This missense variant replaces cysteine with glycine at codon 2572 of the RYR2 protein. Computational prediction suggests that this variant may have deleterious impact on protein structure and function. To our knowledge, functional studies have not been reported for this variant. This variant has not been reported in individuals affected with RYR2-related disorders in the literature. This variant has been identified in 1/249218 chromosomes in the general population by the Genome Aggregation Database (gnomAD). The available evidence is insufficient to determine the role of this variant in disease conclusively. Therefore, this variant is classified as a Variant of Uncertain Significance.

Labcorp Genetics (formerly Invitae), Labcorp
Classification: Uncertain significance for Catecholaminergic polymorphic ventricular tachycardia 1. Last evaluated: 2021-12-12. Review status: criteria provided, single submitter. Criteria: Invitae Variant Classification Sherloc (09022015). Collection method: clinical testing. Allele origin: germline.
Comment: This sequence change replaces cysteine, which is neutral and slightly polar, with glycine, which is neutral and non-polar, at codon 2572 of the RYR2 protein (p.Cys2572Gly). This variant is present in population databases (rs750011838, gnomAD 0.0009%). This variant has not been reported in the literature in individuals affected with RYR2-related conditions. ClinVar contains an entry for this variant (Variation ID: 1064065). Advanced modeling of protein sequence and biophysical properties (such as structural, functional, and spatial information, amino acid conservation, physicochemical variation, residue mobility, and thermodynamic stability) performed at Invitae indicates that this missense variant is expected to disrupt RYR2 protein function. In summary, the available evidence is currently insufficient to determine the role of this variant in disease. Therefore, it has been classified as a Variant of Uncertain Significance.